The following is an entry in ClinVar:

NM_001369.3(DNAH5):c.3146delinsTTTCTGCACCCCATACCC (p.Arg1049fs)

Genes: DNAH5-AS1 (DNAH5 antisense RNA 1; plus strand), DNAH5 (dynein axonemal heavy chain 5; minus strand). Cytogenetic location: 5p15.2.
Variant type: Indel.
Coding change: c.3146delinsTTTCTGCACCCCATACCC on transcript NM_001369.3 (MANE Select); coding-DNA position 3146, G replaced by TTTCTGCACCCCATACCC.
Protein change: p.Arg1049fs; shifts the reading frame from arginine 1049.
Molecular consequence: frameshift variant.
Genome position (GRCh38, 1-based): chr5:13,882,932, C replaced by GGGTATGGGGTGCAGAAA on the plus strand (G replaced by TTTCTGCACCCCATACCC on the coding strand, the reverse complement: DNAH5 is on the minus strand). VCF-style: chr5-13882932-C-GGGTATGGGGTGCAGAAA. GRCh37 (hg19) VCF-style: chr5-13883041-C-GGGTATGGGGTGCAGAAA.
Other names: short protein forms R1049fs.
Identifiers: ClinVar variation 5010728 (VCV005010728.1).

ClinVar aggregate classification (germline): Pathogenic (1 of 4 stars; one submission).

Conditions:
Primary ciliary dyskinesia 3. Identifiers: Orphanet 244, MedGen C1837618, MONDO:0012085, OMIM 608644.

Submission:

Myriad Genetics, Inc.
Classification: Pathogenic for Primary ciliary dyskinesia 3. Last evaluated: 2024-05-14. Review status: criteria provided, single submitter. Criteria: Myriad Autosomal Dominant, Autosomal Recessive and X-Linked Classification Criteria (2023). Collection method: clinical testing. Allele origin: unknown.
Comment: NM_001369.2(DNAH5):c.3146del1ins18(R1049Ifs*50) is expected to be pathogenic in the context of primary ciliary dyskinesia, DNAH5-related. This variant is predicted to lead to an abnormal or absent protein product due to the creation of a premature termination codon in DNAH5, a gene where loss-of-function variants are known to be pathogenic. Please note: this variant was assessed in the context of healthy population screening.